The following is an entry in ClinVar:

NM_000193.4(SHH):c.1078C>T (p.Leu360=)

Gene: SHH (sonic hedgehog signaling molecule; minus strand). Cytogenetic location: 7q36.3.
Variant type: single nucleotide variant.
Coding change: c.1078C>T on transcript NM_000193.4 (MANE Select); coding-DNA position 1078, C replaced by T.
Protein change: p.Leu360=; no amino-acid change (leucine 360 retained).
Molecular consequence: synonymous variant. On other transcripts: intron variant (1).
Genome position (GRCh38, 1-based): chr7:155,803,211, G>A on the plus strand (C>T on the coding strand, the complement: SHH is on the minus strand). VCF-style: chr7-155803211-G-A. GRCh37 (hg19) VCF-style: chr7-155595905-G-A.
Other names: c.302-2966C>T (NM_001310462.2).
Identifiers: ClinVar variation 196230 (VCV000196230.20), dbSNP rs191903572, ClinGen allele CA243120.

ClinVar aggregate classification (germline): Conflicting classifications of pathogenicity. Review status: criteria provided, conflicting classifications (1 of 4 stars). 6 submissions from 6 submitters: Uncertain significance (1); Benign (2); Likely benign (3). Last evaluated 2025-11-27.

Conditions:
Inborn genetic diseases. Identifiers: MedGen C0950123, MeSH D030342.
Holoprosencephaly 3 (HPE3). Identifiers: Orphanet 2162, MedGen C1840529, MONDO:0007733, OMIM 142945.

Allele frequency attached by ClinVar (database versions not stated): 1000 Genomes Project 0.00020; 1000 Genomes Project 30x 0.00047; gnomAD exomes 0.00051; gnomAD 0.00074 and 0.00076; TOPMed 0.00076; ESP Exome Variant Server 0.00084; ExAC 0.00183.
gnomAD v4.1: 2,534 of 1,509,260 alleles (0.17%); highest among the groups gnomAD compares: Non-Finnish European, 0.21%; 7 homozygotes.

Submissions (6):

Labcorp Genetics (formerly Invitae), Labcorp
Classification: Benign for Holoprosencephaly 3. Last evaluated: 2025-11-27. Review status: criteria provided, single submitter. Criteria: Invitae Variant Classification Sherloc (09022015). Collection method: clinical testing. Allele origin: germline.

Blueprint Genetics
Classification: Likely benign. Last evaluated: 2024-10-25. Review status: criteria provided, single submitter. Criteria: ACMG Guidelines, 2015. Collection method: clinical testing. Allele origin: germline.

Ambry Genetics
Classification: Likely benign for Inborn genetic diseases. Last evaluated: 2023-06-23. Review status: criteria provided, single submitter. Criteria: Ambry Variant Classification Scheme 2023. Collection method: clinical testing. Allele origin: germline.

Athena Diagnostics
Classification: Benign. Last evaluated: 2019-01-31. Review status: criteria provided, single submitter. Criteria: Athena Diagnostics Criteria. Collection method: clinical testing. Allele origin: germline.

Eurofins Ntd Llc (ga)
Classification: Uncertain significance. Last evaluated: 2018-09-04. Review status: criteria provided, single submitter. Criteria: EGL ClinVar v180209 classification definitions. Collection method: clinical testing. Allele origin: germline. Observed: 5 variant alleles, 5 heterozygotes.

GeneDx
Classification: Likely benign. Last evaluated: 2017-12-28. Review status: criteria provided, single submitter. Criteria: GeneDx Variant Classification (06012015). Collection method: clinical testing. Allele origin: germline. Affected: yes.
Comment: This variant is considered likely benign or benign based on one or more of the following criteria: it is a conservative change, it occurs at a poorly conserved position in the protein, it is predicted to be benign by multiple in silico algorithms, and/or has population frequency not consistent with disease.

Literature cited by the submitters: PubMed 22897141 (cited by Athena Diagnostics).